The following is an entry in ClinVar:

NM_002334.4(LRP4):c.5194C>T (p.Leu1732Phe)

Genes: LRP4 (LDL receptor related protein 4; minus strand), LRP4-AS1 (LRP4 antisense RNA 1; plus strand). Cytogenetic location: 11p11.2.
Variant type: single nucleotide variant.
Coding change: c.5194C>T on transcript NM_002334.4 (MANE Select); coding-DNA position 5194, C replaced by T.
Protein change: p.Leu1732Phe; replaces leucine 1732 with phenylalanine.
Molecular consequence: missense variant.
Genome position (GRCh38, 1-based): chr11:46,864,497, G>A on the plus strand (C>T on the coding strand, the complement: LRP4 is on the minus strand). VCF-style: chr11-46864497-G-A. GRCh37 (hg19) VCF-style: chr11-46886048-G-A.
Other names: short protein forms L1732F.
Identifiers: ClinVar variation 569902 (VCV000569902.9), dbSNP rs1447336134, ClinGen allele CA380286139.

ClinVar aggregate classification (germline): Uncertain significance. Review status: criteria provided, multiple submitters, no conflicts (2 of 4 stars). 2 submissions from 2 submitters: Uncertain significance (2). Last evaluated 2025-04-07.

Conditions:
Inborn genetic diseases. Identifiers: MedGen C0950123, MeSH D030342.
Congenital myasthenic syndrome 17. Identifiers: Orphanet 590, MedGen C4225377, MONDO:0014578, OMIM 616304.
Sclerosteosis 2 (SOST2). Identifiers: Orphanet 3152, MedGen C3280402, MONDO:0013679, OMIM 614305.
Cenani-Lenz syndactyly syndrome. Also called: SYNDACTYLY, TYPE VII; CENANI SYNDACTYLISM. Identifiers: Orphanet 3258, MedGen C1859309, MONDO:0008931, OMIM 212780.

Submissions (2):

Ambry Genetics
Classification: Uncertain significance for Inborn genetic diseases. Last evaluated: 2025-04-07. Review status: criteria provided, single submitter. Criteria: Ambry Variant Classification Scheme 2023. Collection method: clinical testing. Allele origin: germline.

Labcorp Genetics (formerly Invitae), Labcorp
Classification: Uncertain significance for Cenani-Lenz syndactyly syndrome; Sclerosteosis 2; Congenital myasthenic syndrome 17. Last evaluated: 2022-07-12. Review status: criteria provided, single submitter. Criteria: Invitae Variant Classification Sherloc (09022015). Collection method: clinical testing. Allele origin: germline.
Comment: In summary, the available evidence is currently insufficient to determine the role of this variant in disease. Therefore, it has been classified as a Variant of Uncertain Significance. Algorithms developed to predict the effect of missense changes on protein structure and function are either unavailable or do not agree on the potential impact of this missense change (SIFT: "Deleterious"; PolyPhen-2: "Probably Damaging"; Align-GVGD: "Class C0"). ClinVar contains an entry for this variant (Variation ID: 569902). This variant has not been reported in the literature in individuals affected with LRP4-related conditions. This variant is not present in population databases (gnomAD no frequency). This sequence change replaces leucine, which is neutral and non-polar, with phenylalanine, which is neutral and non-polar, at codon 1732 of the LRP4 protein (p.Leu1732Phe).